The following is an entry in ClinVar:

ClinVar aggregate classification (germline): Pathogenic. Review status: criteria provided, multiple submitters, no conflicts (2 of 4 stars). 2 submissions from 2 submitters: Pathogenic (2). Last evaluated 2025-06-10.

Conditions:
Cortical dysplasia, complex, with other brain malformations 13. Also called: Intellectual disability, autosomal dominant 13. Identifiers: MedGen C3281202, MONDO:0013805, OMIM 614563.

Submissions (2):

Plataforma de Genómica Funcional - SJD, Institut De Recerca Sant Joan De Déu
Classification: Pathogenic for Cortical dysplasia, complex, with other brain malformations 13. Last evaluated: 2025-06-10. Review status: criteria provided, single submitter. Criteria: ACMG Guidelines, 2015. Collection method: clinical testing. Allele origin: de novo. Inheritance: Autosomal dominant inheritance. Affected: yes.
Comment: The c.4867C>T variant (NM_001376.4) in DYNC1H1 is a missense variant predicted to cause an amino acid change of Arg by Trp at position 1623 in the protein sequence (p.(Arg1623Trp)). This variant is absent from population databases (gnomAD v2.1; PM2_Supporting). The DYNC1H1 has a missense Z-score in gnomAD v2.1 of 10.97, which is above the threshold set by the ClinGen SVI guidelines (PP2). This variant has been identified as a de novo with confirmed parental relationships in an individual with progressive spastic paraparesis (PS2; PMID: 33223419, Internal lab contributor). The computational predictor REVEL and CADD unanimously support a deleterious effect on the gene (REVEL score of 0.855, CADD score of 25.9; PP3_Moderate). For dominant rare disorders, appeared in affected cases while extremely rare in population (PS4). Other variant in the same codon has been classified as pathogenic (ClinVar Variation ID: 4240469; PM5). Functional studies performed in SH-SY5Y cells conducted at the Neurogenetics and Molecular Medicine Laboratory showed aberrant protein localization and binding capacity to dynactin, indicating that this variant impacts protein function (PS3; PMID: 33223419). Additionally, this variant is associated with the following publications: PMIDs: 26100331, 25609763, 25512093. In summary, this variant meets the criteria to be classified as Pathogenic based on the ACMG/AMP criteria applied.

GeneDx
Classification: Pathogenic. Last evaluated: 2023-03-03. Review status: criteria provided, single submitter. Criteria: GeneDx Variant Classification Process June 2021. Collection method: clinical testing. Allele origin: germline. Affected: yes.
Comment: Not observed at significant frequency in large population cohorts (gnomAD); In silico analysis supports that this missense variant has a deleterious effect on protein structure/function; This variant is associated with the following publications: (PMID: 26100331, 25609763, 25512093, 33223419)

Literature cited by the submitters: PubMed 33223419 (cited by Plataforma de Genómica Funcional - SJD, Institut De Recerca Sant Joan De Déu); PubMed 26100331 (cited by Plataforma de Genómica Funcional - SJD, Institut De Recerca Sant Joan De Déu); PubMed 25609763 (cited by Plataforma de Genómica Funcional - SJD, Institut De Recerca Sant Joan De Déu); PubMed 25512093 (cited by Plataforma de Genómica Funcional - SJD, Institut De Recerca Sant Joan De Déu).

NM_001376.5(DYNC1H1):c.4867C>T (p.Arg1623Trp)

Gene: DYNC1H1 (dynein cytoplasmic 1 heavy chain 1; plus strand). Cytogenetic location: 14q32.31.
Variant type: single nucleotide variant.
Coding change: c.4867C>T on transcript NM_001376.5 (MANE Select); coding-DNA position 4867, C replaced by T.
Protein change: p.Arg1623Trp; replaces arginine 1623 with tryptophan.
Molecular consequence: missense variant.
Genome position (GRCh38, 1-based): chr14:102,002,949, C>T. VCF-style: chr14-102002949-C-T. GRCh37 (hg19) VCF-style: chr14-102469286-C-T.
Other names: short protein forms R1623W.
Identifiers: ClinVar variation 2579938 (VCV002579938.2), dbSNP rs2503734461, ClinGen allele CA391043723.